The following is an entry in ClinVar:

NM_001875.5(CPS1):c.2011A>G (p.Thr671Ala)

Gene: CPS1 (carbamoyl-phosphate synthase 1; plus strand). Cytogenetic location: 2q34.
Variant type: single nucleotide variant.
Coding change: c.2011A>G on transcript NM_001875.5 (MANE Select); coding-DNA position 2011, A replaced by G.
Protein change: p.Thr671Ala; replaces threonine 671 with alanine.
Molecular consequence: missense variant. On other transcripts: non-coding transcript variant (2).
Genome position (GRCh38, 1-based): chr2:210,606,760, A>G. VCF-style: chr2-210606760-A-G. GRCh37 (hg19) VCF-style: chr2-211471484-A-G.
Other names: c.2011A>G, p.Thr671Ala (NM_001122633.3, NM_001369257.1); c.2044A>G, p.Thr682Ala (NM_001369256.1); short protein forms T682A, T671A.
Identifiers: ClinVar variation 935003 (VCV000935003.12), dbSNP rs1698926726, ClinGen allele CA350438843.

ClinVar aggregate classification (germline): Uncertain significance. Review status: criteria provided, single submitter (1 of 4 stars). 2 submissions from 2 submitters: Uncertain significance (1). 1 of the submissions does not count toward it. Last evaluated 2021-01-15.

Conditions:
Congenital hyperammonemia, type I. Also called: Carbamoyl phosphate synthetase 1 deficiency; Hyperammonemia due to carbamoyl phosphate synthetase 1 deficiency; CPS 1 deficiency; Carbamyl phosphate synthetase (CPS) deficiency; Carbamoyl-phosphate synthase I deficiency; Carbamoyl phosphate synthetase I deficiency disease. Identifiers: Orphanet 147, MedGen C4082171, MONDO:0009376, OMIM 237300.

Submissions (2):

Labcorp Genetics (formerly Invitae), Labcorp
Classification: Uncertain significance for Congenital hyperammonemia, type I. Last evaluated: 2021-01-15. Review status: criteria provided, single submitter. Criteria: Invitae Variant Classification Sherloc (09022015). Collection method: clinical testing. Allele origin: germline.
Comment: In summary, the available evidence is currently insufficient to determine the role of this variant in disease. Therefore, it has been classified as a Variant of Uncertain Significance. Algorithms developed to predict the effect of missense changes on protein structure and function are either unavailable or do not agree on the potential impact of this missense change (SIFT: "Deleterious"; PolyPhen-2: "Possibly Damaging"; Align-GVGD: "Class C0"). This variant has not been reported in the literature in individuals with CPS1-related conditions. This variant is not present in population databases (ExAC no frequency). This sequence change replaces threonine with alanine at codon 671 of the CPS1 protein (p.Thr671Ala). The threonine residue is highly conserved and there is a small physicochemical difference between threonine and alanine.

Natera, Inc.
Classification: Uncertain significance for Carbamoyl-phosphate synthase I deficiency. Last evaluated: 2021-02-08. Review status: no assertion criteria provided. Collection method: clinical testing. Allele origin: germline. Not counted in ClinVar's aggregate classification.